The following is an entry in ClinVar:

ClinVar aggregate classification (germline): Uncertain significance (1 of 4 stars; one submission).

Submission:

GeneDx
Classification: Uncertain significance. Last evaluated: 2024-11-05. Review status: criteria provided, single submitter. Criteria: GeneDx Variant Classification Process June 2021. Collection method: clinical testing. Allele origin: germline. Affected: yes.
Comment: Not observed at significant frequency in large population cohorts (gnomAD); In silico analysis indicates that this variant does not alter splicing; Has not been previously published as pathogenic or benign to our knowledge

NM_001267550.2(TTN):c.100524A>G (p.Arg33508=)

Genes: TTN (titin; minus strand), TTN-AS1 (TTN antisense RNA 1; plus strand). Cytogenetic location: 2q31.2.
Variant type: single nucleotide variant.
Coding change: c.100524A>G on transcript NM_001267550.2 (MANE Select); coding-DNA position 100524, A replaced by G.
Protein change: p.Arg33508=; no amino-acid change (arginine 33508 retained).
Molecular consequence: synonymous variant.
Genome position (GRCh38, 1-based): chr2:178,536,223, T>C on the plus strand (A>G on the coding strand, the complement: TTN is on the minus strand). VCF-style: chr2-178536223-T-C. GRCh37 (hg19) VCF-style: chr2-179400950-T-C.
Other names: c.95601A>G, p.Arg31867= (NM_001256850.1); c.73329A>G, p.Arg24443= (NM_003319.4); c.92820A>G, p.Arg30940= (NM_133378.4); c.73704A>G, p.Arg24568= (NM_133432.3); c.73905A>G, p.Arg24635= (NM_133437.4).
Identifiers: ClinVar variation 3897176 (VCV003897176.1).